The following is an entry in ClinVar:

ClinVar aggregate classification (germline): Uncertain significance (1 of 4 stars; one submission).

Submission:

Ambry Genetics
Classification: Uncertain significance. Last evaluated: 2022-11-30. Review status: criteria provided, single submitter. Criteria: Ambry Variant Classification Scheme 2023. Collection method: clinical testing. Allele origin: germline.
Comment: The p.L674V variant (also known as c.2020C>G), located in coding exon 13 of the NPAT gene, results from a C to G substitution at nucleotide position 2020. The leucine at codon 674 is replaced by valine, an amino acid with highly similar properties. This amino acid position is conserved. In addition, this alteration is predicted to be tolerated by in silico analysis. Since supporting evidence is limited at this time, the clinical significance of this alteration remains unclear.

NM_002519.3(NPAT):c.2020C>G (p.Leu674Val)

Gene: NPAT (nuclear protein, coactivator of histone transcription; minus strand). Cytogenetic location: 11q22.3.
Variant type: single nucleotide variant.
Coding change: c.2020C>G on transcript NM_002519.3 (MANE Select); coding-DNA position 2020, C replaced by G.
Protein change: p.Leu674Val; replaces leucine 674 with valine.
Molecular consequence: missense variant.
Genome position (GRCh38, 1-based): chr11:108,172,964, G>C on the plus strand (C>G on the coding strand, the complement: NPAT is on the minus strand). VCF-style: chr11-108172964-G-C. GRCh37 (hg19) VCF-style: chr11-108043691-G-C.
Other names: c.2020C>G, p.Leu674Val (NM_001321307.1); short protein forms L674V.
Identifiers: ClinVar variation 2453743 (VCV002453743.2), dbSNP rs2496719073, ClinGen allele CA382513847.